The following is an entry in ClinVar:

ClinVar aggregate classification (germline): Conflicting classifications of pathogenicity. Review status: criteria provided, conflicting classifications (1 of 4 stars). 5 submissions from 4 submitters: Uncertain significance (2); Likely benign (2). 1 of the submissions does not count toward it. Last evaluated 2023-11-27.

Conditions:
Meckel-Gruber syndrome. Also called: Dysencephalia splachnocystica; DYSENCEPHALIA SPLANCHNOCYSTICA; GRUBER SYNDROME. Identifiers: Orphanet 564, MedGen C0265215, MONDO:0018921.
Joubert syndrome. Also called: JOUBERT-BOLTSHAUSER SYNDROME; Familial aplasia of the vermis. Identifiers: Orphanet 475, MedGen C5979921, MONDO:0018772.
CC2D2A-related disorder. Also called: CC2D2A-related disorders; CC2D2A-related condition. Identifiers: MedGen CN239313.
Meckel syndrome, type 6. Identifiers: Orphanet 564, MedGen C2676790, MONDO:0012848, OMIM 612284.
Joubert syndrome 9 (JBTS9). Identifiers: Orphanet 2318, MedGen C2676788, MONDO:0012849, OMIM 612285.

Allele frequency attached by ClinVar (database versions not stated): TOPMed below 0.00001; ExAC 0.00001; gnomAD 0.00001; gnomAD exomes 0.00003 and 0.00004.
gnomAD v4.1: 59 of 1,606,824 alleles (0.0037%); highest among the groups gnomAD compares: Admixed American, 0.013%; no homozygotes.

Submissions (5):

Labcorp Genetics (formerly Invitae), Labcorp
Classification: Likely benign for Joubert syndrome; Meckel-Gruber syndrome. Last evaluated: 2023-11-27. Review status: criteria provided, single submitter. Criteria: Invitae Variant Classification Sherloc (09022015). Collection method: clinical testing. Allele origin: germline.

Blueprint Genetics
Classification: Likely benign. Last evaluated: 2020-09-17. Review status: criteria provided, single submitter. Criteria: ACMG Guidelines, 2015. Collection method: clinical testing. Allele origin: germline.

Illumina Laboratory Services, Illumina
Classification: Uncertain significance for Joubert syndrome 9. Last evaluated: 2018-01-13. Review status: criteria provided, single submitter. Criteria: ICSL Variant Classification Criteria 13 December 2019. Collection method: clinical testing. Allele origin: germline.

Illumina Laboratory Services, Illumina
Classification: Uncertain significance for Meckel syndrome, type 6. Last evaluated: 2018-01-13. Review status: criteria provided, single submitter. Criteria: ICSL Variant Classification Criteria 13 December 2019. Collection method: clinical testing. Allele origin: germline.

PreventionGenetics, part of Exact Sciences
Classification: Likely benign for CC2D2A-related condition. Last evaluated: 2024-01-05. Review status: no assertion criteria provided. Collection method: clinical testing. Allele origin: germline. Not counted in ClinVar's aggregate classification.
Comment: This variant is classified as likely benign based on ACMG/AMP sequence variant interpretation guidelines (Richards et al. 2015 PMID: 25741868, with internal and published modifications).

NM_001378615.1(CC2D2A):c.4675-12T>G

Genes: CC2D2A (coiled-coil and C2 domain containing 2A; plus strand), FBXL5 (F-box and leucine rich repeat protein 5; minus strand). Cytogenetic location: 4p15.32.
Variant type: single nucleotide variant.
Coding change: c.4675-12T>G on transcript NM_001378615.1 (MANE Select); 12 bases into the intron before coding-DNA position 4675, T replaced by G.
Molecular consequence: intron variant.
Genome position (GRCh38, 1-based): chr4:15,601,225, T>G. VCF-style: chr4-15601225-T-G. GRCh37 (hg19) VCF-style: chr4-15602848-T-G.
Other names: c.4675-12T>G (NM_001080522.2); c.4528-12T>G (NM_001378617.1).
Identifiers: ClinVar variation 347906 (VCV000347906.13), dbSNP rs769761582, ClinGen allele CA2864453.
Genomic context (GRCh38, chr4:15,601,225, plus strand): 5'-TACATTTACGTAGGAAAAAATGTATTAAATCTTCAAACTTCACTAATGACTACAAATGTT[T>G]TTTCCCTTCAGTTCTCTGGATTTCCTCTTCACATGCCTTATTCTGAAGTGAAGCCTTTAA-3'